The following is an entry in ClinVar:

NM_005120.3(MED12):c.5359A>T (p.Thr1787Ser)

Gene: MED12 (mediator complex subunit 12; plus strand). Cytogenetic location: Xq13.1.
Variant type: single nucleotide variant.
Coding change: c.5359A>T on transcript NM_005120.3 (MANE Select); coding-DNA position 5359, A replaced by T.
Protein change: p.Thr1787Ser; replaces threonine 1787 with serine.
Molecular consequence: missense variant.
Genome position (GRCh38, 1-based): chrX:71,136,614, A>T. VCF-style: chrX-71136614-A-T. GRCh37 (hg19) VCF-style: chrX-70356464-A-T.
Other names: short protein forms T1787S.
Identifiers: ClinVar variation 2509295 (VCV002509295.5), dbSNP rs2092333189, ClinGen allele CA413535124.

ClinVar aggregate classification (germline): Conflicting classifications of pathogenicity. Review status: criteria provided, conflicting classifications (1 of 4 stars). 2 submissions from 2 submitters: Uncertain significance (1); Likely benign (1). Last evaluated 2025-03-26.

Conditions:
FG syndrome (FGS). Identifiers: MedGen C0220769, MONDO:0002010.
Familial thoracic aortic aneurysm and aortic dissection (TAAD). Also called: Thoracic aortic aneurysms and dissections. Identifiers: Orphanet 91387, MedGen C4707243, MONDO:0019625.

Allele frequency attached by ClinVar (database versions not stated): gnomAD 0.00001; TOPMed 0.00001.
gnomAD v4.1: 1 of 1,205,452 alleles (0.000083%); highest among the groups gnomAD compares: Admixed American, 0.0022%; no homozygotes.

Submissions (2):

Ambry Genetics
Classification: Likely benign for Familial thoracic aortic aneurysm and aortic dissection. Last evaluated: 2025-03-26. Review status: criteria provided, single submitter. Criteria: Ambry Variant Classification Scheme 2023. Collection method: clinical testing. Allele origin: germline.

Labcorp Genetics (formerly Invitae), Labcorp
Classification: Uncertain significance for FG syndrome. Last evaluated: 2024-03-29. Review status: criteria provided, single submitter. Criteria: Invitae Variant Classification Sherloc (09022015). Collection method: clinical testing. Allele origin: germline.
Comment: This sequence change replaces threonine, which is neutral and polar, with serine, which is neutral and polar, at codon 1787 of the MED12 protein (p.Thr1787Ser). This variant is not present in population databases (gnomAD no frequency). This variant has not been reported in the literature in individuals affected with MED12-related conditions. ClinVar contains an entry for this variant (Variation ID: 2509295). Advanced modeling of protein sequence and biophysical properties (such as structural, functional, and spatial information, amino acid conservation, physicochemical variation, residue mobility, and thermodynamic stability) performed at Invitae indicates that this missense variant is not expected to disrupt MED12 protein function with a negative predictive value of 95%. In summary, the available evidence is currently insufficient to determine the role of this variant in disease. Therefore, it has been classified as a Variant of Uncertain Significance.